The following is an entry in ClinVar:

NM_000135.4(FANCA):c.143T>C (p.Val48Ala)

Gene: FANCA (FA complementation group A; minus strand). Cytogenetic location: 16q24.3.
Variant type: single nucleotide variant.
Coding change: c.143T>C on transcript NM_000135.4 (MANE Select); coding-DNA position 143, T replaced by C.
Protein change: p.Val48Ala; replaces valine 48 with alanine.
Molecular consequence: missense variant.
Genome position (GRCh38, 1-based): chr16:89,815,923, A>G on the plus strand (T>C on the coding strand, the complement: FANCA is on the minus strand). VCF-style: chr16-89815923-A-G. GRCh37 (hg19) VCF-style: chr16-89882331-A-G.
Other names: c.143T>C, p.Val48Ala (NM_001018112.3, NM_001286167.3, NM_001351830.2); short protein forms V48A.
Identifiers: ClinVar variation 3848239 (VCV003848239.1).

ClinVar aggregate classification (germline): Uncertain significance (1 of 4 stars; one submission).

Conditions:
Inborn genetic diseases. Identifiers: MedGen C0950123, MeSH D030342.

Submission:

Ambry Genetics
Classification: Uncertain significance for Inborn genetic diseases. Last evaluated: 2025-02-15. Review status: criteria provided, single submitter. Criteria: Ambry Variant Classification Scheme 2023. Collection method: clinical testing. Allele origin: germline.
Comment: The p.V48A variant (also known as c.143T>C), located in coding exon 2 of the FANCA gene, results from a T to C substitution at nucleotide position 143. The valine at codon 48 is replaced by alanine, an amino acid with similar properties. This amino acid position is conserved. In addition, this alteration is predicted to be tolerated by in silico analysis. Based on the available evidence, the clinical significance of this variant remains unclear.